The following is an entry in ClinVar:

NM_001388492.1(HTT):c.4320A>G (p.Thr1440=)

Gene: HTT (huntingtin; plus strand). Cytogenetic location: 4p16.3.
Variant type: single nucleotide variant.
Coding change: c.4320A>G on transcript NM_001388492.1 (MANE Select); coding-DNA position 4320, A replaced by G.
Protein change: p.Thr1440=; no amino-acid change (threonine 1440 retained).
Molecular consequence: synonymous variant.
Genome position (GRCh38, 1-based): chr4:3,175,020, A>G. VCF-style: chr4-3175020-A-G. GRCh37 (hg19) VCF-style: chr4-3176747-A-G.
Other names: c.4326A>G, p.Thr1442= (NM_002111.8).
Identifiers: ClinVar variation 1627781 (VCV001627781.33), dbSNP rs199875867, ClinGen allele CA2824397.

ClinVar aggregate classification (germline): Likely benign. Review status: criteria provided, multiple submitters, no conflicts (2 of 4 stars). 2 submissions from 2 submitters: Likely benign (2). Last evaluated 2024-10-22.

Allele frequency attached by ClinVar (database versions not stated): 1000 Genomes Project 0.00020; ExAC 0.00023; gnomAD exomes 0.00027 and 0.00074; 1000 Genomes Project 30x 0.00031; gnomAD 0.00033 and 0.00034; TOPMed 0.00044; ESP Exome Variant Server 0.00076.
gnomAD v4.1: 1,114 of 1,612,986 alleles (0.069%); highest among the groups gnomAD compares: Non-Finnish European, 0.091%; no homozygotes.

Submissions (2):

Labcorp Genetics (formerly Invitae), Labcorp
Classification: Likely benign. Last evaluated: 2024-10-22. Review status: criteria provided, single submitter. Criteria: Invitae Variant Classification Sherloc (09022015). Collection method: clinical testing. Allele origin: germline.

CeGaT Center for Human Genetics Tuebingen
Classification: Likely benign. Last evaluated: 2022-06-01. Review status: criteria provided, single submitter. Criteria: CeGaT Center For Human Genetics Tuebingen Variant Classification Criteria Version 2. Collection method: clinical testing. Allele origin: germline. Affected: yes. Observed: 1 variant allele.
Comment: HTT: BP4, BP7